The following is an entry in ClinVar:

ClinVar aggregate classification (germline): Uncertain significance (1 of 4 stars; one submission).

gnomAD v4.1: 2 of 1,614,196 alleles (0.00012%); highest among the groups gnomAD compares: Admixed American, 0.0017%; no homozygotes.

Submission:

Labcorp Genetics (formerly Invitae), Labcorp
Classification: Uncertain significance. Last evaluated: 2022-03-13. Review status: criteria provided, single submitter. Criteria: Invitae Variant Classification Sherloc (09022015). Collection method: clinical testing. Allele origin: germline.
Comment: In summary, the available evidence is currently insufficient to determine the role of this variant in disease. Therefore, it has been classified as a Variant of Uncertain Significance. Algorithms developed to predict the effect of sequence changes on RNA splicing suggest that this variant may disrupt the consensus splice site. Algorithms developed to predict the effect of missense changes on protein structure and function are either unavailable or do not agree on the potential impact of this missense change (SIFT: "Deleterious"; PolyPhen-2: "Probably Damaging"; Align-GVGD: "Class C0"). This variant has not been reported in the literature in individuals affected with COQ8B-related conditions. This variant is present in population databases (no rsID available, gnomAD no frequency). This sequence change replaces leucine, which is neutral and non-polar, with glutamine, which is neutral and polar, at codon 75 of the COQ8B protein (p.Leu75Gln).

NM_024876.4(COQ8B):c.224T>A (p.Leu75Gln)

Gene: COQ8B (coenzyme Q8B; minus strand). Cytogenetic location: 19q13.2.
Variant type: single nucleotide variant.
Coding change: c.224T>A on transcript NM_024876.4 (MANE Select); coding-DNA position 224, T replaced by A.
Protein change: p.Leu75Gln; replaces leucine 75 with glutamine.
Molecular consequence: missense variant.
Genome position (GRCh38, 1-based): chr19:40,714,132, A>T on the plus strand (T>A on the coding strand, the complement: COQ8B is on the minus strand). VCF-style: chr19-40714132-A-T. GRCh37 (hg19) VCF-style: chr19-41220037-A-T.
Other names: c.224T>A, p.Leu75Gln (NM_001142555.3); short protein forms L75Q.
Identifiers: ClinVar variation 2071404 (VCV002071404.4), dbSNP rs1294177680, ClinGen allele CA405968151.